The following is an entry in ClinVar:

ClinVar aggregate classification (germline): Benign/Likely benign. Review status: criteria provided, multiple submitters, no conflicts (2 of 4 stars). 3 submissions from 3 submitters: Benign (1); Likely benign (2). Last evaluated 2025-03-01.

Conditions:
Hereditary cancer-predisposing syndrome. Also called: Tumor predisposition; Hereditary neoplastic syndrome; Neoplastic Syndromes, Hereditary; Hereditary Cancer Syndrome. Identifiers: Orphanet 140162, MedGen C0027672, MeSH D009386, MONDO:0015356.
Familial cancer of breast. Also called: hereditary breast carcinoma; Hereditary breast cancer; BREAST CANCER, FAMILIAL. Identifiers: Orphanet 227535, MedGen C0346153, MONDO:0016419, OMIM 114480. Disease mechanism: loss of function.

Submissions (3):

Labcorp Genetics (formerly Invitae), Labcorp
Classification: Likely benign for Familial cancer of breast. Last evaluated: 2025-03-01. Review status: criteria provided, single submitter. Criteria: Invitae Variant Classification Sherloc (09022015). Collection method: clinical testing. Allele origin: germline.

Myriad Genetics, Inc.
Classification: Benign for Familial cancer of breast. Last evaluated: 2024-10-07. Review status: criteria provided, single submitter. Criteria: Myriad Autosomal Dominant, Autosomal Recessive and X-Linked Classification Criteria (2023). Collection method: clinical testing. Allele origin: unknown.
Comment: This variant is considered benign. This variant is a silent/synonymous amino acid change and it is not expected to impact splicing.

Ambry Genetics
Classification: Likely benign for Hereditary cancer-predisposing syndrome. Last evaluated: 2019-01-14. Review status: criteria provided, single submitter. Criteria: Ambry Variant Classification Scheme 2023. Collection method: clinical testing. Allele origin: germline.

NM_007194.4(CHEK2):c.1284T>G (p.Ser428=)

Gene: CHEK2 (checkpoint kinase 2; minus strand). Cytogenetic location: 22q12.1.
Variant type: single nucleotide variant.
Coding change: c.1284T>G on transcript NM_007194.4 (MANE Select); coding-DNA position 1284, T replaced by G.
Protein change: p.Ser428=; no amino-acid change (serine 428 retained).
Molecular consequence: synonymous variant.
Genome position (GRCh38, 1-based): chr22:28,695,218, A>C on the plus strand (T>G on the coding strand, the complement: CHEK2 is on the minus strand). VCF-style: chr22-28695218-A-C. GRCh37 (hg19) VCF-style: chr22-29091206-A-C.
Other names: c.1413T>G, p.Ser471= (NM_001005735.3); c.621T>G, p.Ser207= (NM_001257387.3); c.1083T>G, p.Ser361= (NM_001349956.3); c.1197T>G, p.Ser399= (NM_145862.3).
Identifiers: ClinVar variation 818798 (VCV000818798.6), dbSNP rs781514295, ClinGen allele CA513944836.